The following is an entry in ClinVar:

NM_018451.5(CPAP):c.*594_*595dup

Genes: CPAP (centrosome assembly and centriole elongation protein; minus strand), RNF17 (ring finger protein 17; plus strand). Cytogenetic location: 13q12.12.
Variant type: Duplication.
Coding change: c.*594_*595dup on transcript NM_018451.5 (MANE Select); 594 bases downstream of the stop codon through 595 bases downstream of the stop codon, 2 bases duplicated (AT; older notation c.*594_*595dupAT).
Molecular consequence: 3 prime UTR variant. On other transcripts: non-coding transcript variant (2).
Genome position (GRCh38, 1-based): chr13:24,882,582-24,882,583, AT duplicated on the plus strand (AT on the coding strand, the reverse complement: CPAP is on the minus strand). VCF-style (leftmost placement, unchanged base first): chr13-24882581-C-CAT. GRCh37 (hg19) VCF-style: chr13-25456719-C-CAT.
Identifiers: ClinVar variation 311590 (VCV000311590.33), dbSNP rs570468323, ClinGen allele CA10644090.

ClinVar aggregate classification (germline): Likely benign. Review status: criteria provided, multiple submitters, no conflicts (2 of 4 stars). 2 submissions from 2 submitters: Likely benign (2). Last evaluated 2023-05-01.

Allele frequency attached by ClinVar (database versions not stated): 1000 Genomes Project 30x 0.00219; gnomAD exomes 0.00459; TOPMed 0.00558; gnomAD 0.00635 and 0.00658.

Submissions (2):

CeGaT Center for Human Genetics Tuebingen
Classification: Likely benign. Last evaluated: 2023-05-01. Review status: criteria provided, single submitter. Criteria: CeGaT Center For Human Genetics Tuebingen Variant Classification Criteria Version 2. Collection method: clinical testing. Allele origin: germline. Affected: yes. Observed: 2 variant alleles.
Comment: CPAP: BS2

GeneDx
Classification: Likely benign. Last evaluated: 2021-05-22. Review status: criteria provided, single submitter. Criteria: GeneDx Variant Classification Process June 2021. Collection method: clinical testing. Allele origin: germline. Affected: yes.